The following is an entry in ClinVar:

ClinVar aggregate classification (germline): Uncertain significance (1 of 4 stars; one submission).

Allele frequency attached by ClinVar (database versions not stated): gnomAD exomes below 0.00001.
gnomAD v4.1: 1 of 1,614,132 alleles (0.000062%); highest among the groups gnomAD compares: Non-Finnish European, 0.000085%; no homozygotes.

Submission:

GeneDx
Classification: Uncertain significance. Last evaluated: 2019-09-26. Review status: criteria provided, single submitter. Criteria: GeneDx Variant Classification Process June 2021. Collection method: clinical testing. Allele origin: germline. Affected: yes.
Comment: Not observed in large population cohorts (Lek et al., 2016); In silico analysis, which includes protein predictors and evolutionary conservation, supports a deleterious effect; Splice predictors are inconclusive as to whether the variant alters gene splicing. In the absence of RNA/functional studies, the actual effect of this sequence change is unknown.; This variant is associated with the following publications: (PMID: 30345710, 28035777, 12925202, 23356892)

NM_170665.4(ATP2A2):c.2384A>G (p.Asn795Ser)

Gene: ATP2A2 (ATPase sarcoplasmic/endoplasmic reticulum Ca2+ transporting 2; plus strand). Cytogenetic location: 12q24.11.
Variant type: single nucleotide variant.
Coding change: c.2384A>G on transcript NM_170665.4 (MANE Select); coding-DNA position 2384, A replaced by G.
Protein change: p.Asn795Ser; replaces asparagine 795 with serine.
Molecular consequence: missense variant.
Genome position (GRCh38, 1-based): chr12:110,343,297, A>G. VCF-style: chr12-110343297-A-G. GRCh37 (hg19) VCF-style: chr12-110781102-A-G.
Other names: c.2384A>G, p.Asn795Ser (NM_001681.4); short protein forms N795S.
Identifiers: ClinVar variation 379925 (VCV000379925.3), dbSNP rs1057520789, ClinGen allele CA16607091.